The following is an entry in ClinVar:

NM_198576.4(AGRN):c.147G>C (p.Gly49=)

Gene: AGRN (agrin; plus strand). Cytogenetic location: 1p36.33.
Variant type: single nucleotide variant.
Coding change: c.147G>C on transcript NM_198576.4 (MANE Select); coding-DNA position 147, G replaced by C.
Protein change: p.Gly49=; no amino-acid change (glycine 49 retained).
Molecular consequence: synonymous variant.
Genome position (GRCh38, 1-based): chr1:1,020,319, G>C. VCF-style: chr1-1020319-G-C. GRCh37 (hg19) VCF-style: chr1-955699-G-C.
Other names: c.147G>C, p.Gly49= (NM_001305275.2).
Identifiers: ClinVar variation 3905529 (VCV003905529.10).

ClinVar aggregate classification (germline): Likely benign (1 of 4 stars; one submission).

Submission:

CeGaT Center for Human Genetics Tuebingen
Classification: Likely benign. Last evaluated: 2025-06-01. Review status: criteria provided, single submitter. Criteria: CeGaT Center For Human Genetics Tuebingen Variant Classification Criteria Version 2. Collection method: clinical testing. Allele origin: germline. Affected: yes. Observed: 1 variant allele.
Comment: AGRN: PM2:Supporting, BP4, BP7